The following is an entry in ClinVar:

NM_007294.4(BRCA1):c.4186-19C>T

Gene: BRCA1 (BRCA1 DNA repair associated; minus strand). Cytogenetic location: 17q21.31.
Variant type: single nucleotide variant.
Coding change: c.4186-19C>T on transcript NM_007294.4 (MANE Select); 19 bases into the intron before coding-DNA position 4186, C replaced by T.
Molecular consequence: intron variant.
Genome position (GRCh38, 1-based): chr17:43,082,594, G>A on the plus strand (C>T on the coding strand, the complement: BRCA1 is on the minus strand). VCF-style: chr17-43082594-G-A. GRCh37 (hg19) VCF-style: chr17-41234611-G-A.
Other names: IVS12-19C>T; c.736-19C>T (NM_001408458.1, NM_001408453.1, NM_001408461.1 and 8 more transcripts); c.3298-19C>T (NM_001407967.1, NM_001407966.1); c.3805-19C>T (NM_001407959.1, NM_001407960.1); c.3919-19C>T (NM_001407931.1, NM_001407932.1, NM_001407936.1 and 1 more transcripts); c.4042-19C>T (NM_001407747.1, NM_001407839.1, NM_001407745.1 and 17 more transcripts); c.3802-19C>T (NM_001407962.1); c.373-19C>T (NM_001408512.1); and 65 more.
Identifiers: ClinVar variation 125697 (VCV000125697.26), dbSNP rs80358016, ClinGen allele CA002695.

ClinVar aggregate classification (germline): Likely benign. Review status: criteria provided, multiple submitters, no conflicts (2 of 4 stars). 5 submissions from 5 submitters: Likely benign (3). 2 of the submissions do not count toward it. Last evaluated 2025-10-13.

Conditions:
Hereditary cancer-predisposing syndrome. Also called: Tumor predisposition; Hereditary neoplastic syndrome; Hereditary Cancer Syndrome; Neoplastic Syndromes, Hereditary. Identifiers: Orphanet 140162, MedGen C0027672, MeSH D009386, MONDO:0015356.
Hereditary breast ovarian cancer syndrome. Also called: Hereditary breast and/or ovarian cancer syndrome; Breast and ovarian cancer; Hereditary breast and ovarian cancer syndrome; Hereditary breast and ovarian cancer; Hereditary breast and ovarian cancer syndrome (HBOC); BRCA1- and BRCA2-Associated Hereditary Breast and Ovarian Cancer. Identifiers: Orphanet 145, MedGen C0677776, MeSH D061325, MONDO:0003582. Disease mechanism: loss of function.
Breast-ovarian cancer, familial, susceptibility to, 1 (BROVCA1). Also called: BRCA1 Hereditary Breast and Ovarian Cancer; OVARIAN CANCER, SUSCEPTIBILITY TO. Identifiers: Orphanet 145, MedGen C2676676, MONDO:0011450, OMIM 604370. Disease mechanism: loss of function.

Allele frequency attached by ClinVar (database versions not stated): gnomAD exomes below 0.00001 and 0.00002; ExAC 0.00001; gnomAD 0.00001; TOPMed 0.00001.
gnomAD v4.1: 35 of 1,613,212 alleles (0.0022%); highest among the groups gnomAD compares: Non-Finnish European, 0.003%; no homozygotes.

Submissions (5):

Labcorp Genetics (formerly Invitae), Labcorp
Classification: Likely benign for Hereditary breast ovarian cancer syndrome. Last evaluated: 2025-10-13. Review status: criteria provided, single submitter. Criteria: Invitae Variant Classification Sherloc (09022015). Collection method: clinical testing. Allele origin: germline.

Color Diagnostics, LLC DBA Color Health
Classification: Likely benign for Hereditary cancer-predisposing syndrome. Last evaluated: 2018-05-10. Review status: criteria provided, single submitter. Criteria: ACMG Guidelines, 2015. Collection method: clinical testing. Allele origin: germline.

GeneDx
Classification: Likely benign. Last evaluated: 2017-01-10. Review status: criteria provided, single submitter. Criteria: GeneDx Variant Classification (06012015). Collection method: clinical testing. Allele origin: germline. Affected: yes.
Comment: This variant is considered likely benign or benign based on one or more of the following criteria: it is a conservative change, it occurs at a poorly conserved position in the protein, it is predicted to be benign by multiple in silico algorithms, and/or has population frequency not consistent with disease.

Counsyl
Classification: Likely benign for Breast-ovarian cancer, familial, susceptibility to, 1. Last evaluated: 2016-06-14. Review status: no assertion criteria provided. Collection method: clinical testing. Allele origin: unknown. Not counted in ClinVar's aggregate classification.

Breast Cancer Information Core (BIC) (BRCA1)
Classification: Uncertain significance for Breast-ovarian cancer, familial 1. Last evaluated: 2002-05-29. Review status: no assertion criteria provided. Collection method: clinical testing. Allele origin: germline. Affected: yes. Observed: 2 variant alleles. Not counted in ClinVar's aggregate classification.

Literature cited by the submitters: PubMed 16267036 (cited by Counsyl).